The following is an entry in ClinVar:

NM_004525.3(LRP2):c.13936G>A (p.Ala4646Thr)

Gene: LRP2 (LDL receptor related protein 2; minus strand). Cytogenetic location: 2q31.1.
Variant type: single nucleotide variant.
Coding change: c.13936G>A on transcript NM_004525.3 (MANE Select); coding-DNA position 13936, G replaced by A.
Protein change: p.Ala4646Thr; replaces alanine 4646 with threonine.
Molecular consequence: missense variant.
Genome position (GRCh38, 1-based): chr2:169,128,695, C>T on the plus strand (G>A on the coding strand, the complement: LRP2 is on the minus strand). VCF-style: chr2-169128695-C-T. GRCh37 (hg19) VCF-style: chr2-169985205-C-T.
Other names: short protein forms A4646T.
Identifiers: ClinVar variation 1311447 (VCV001311447.6), dbSNP rs202210831, ClinGen allele CA1952378.

ClinVar aggregate classification (germline): Uncertain significance. Review status: criteria provided, multiple submitters, no conflicts (2 of 4 stars). 5 submissions from 5 submitters: Uncertain significance (5). Last evaluated 2024-09-13.

Conditions:
Donnai-Barrow syndrome. Also called: DBS/FOAR SYNDROME; FACIOOCULOACOUSTICORENAL SYNDROME. Identifiers: Orphanet 2143, MedGen C1857277, MONDO:0009104, OMIM 222448.
Inborn genetic diseases. Identifiers: MedGen C0950123, MeSH D030342.

Allele frequency attached by ClinVar (database versions not stated): gnomAD 0.00001; gnomAD exomes 0.00002; TOPMed 0.00002.
gnomAD v4.1: 30 of 1,613,894 alleles (0.0019%); highest among the groups gnomAD compares: East Asian, 0.011%; no homozygotes.

Submissions (5):

Blueprint Genetics
Classification: Uncertain significance. Last evaluated: 2024-09-13. Review status: criteria provided, single submitter. Criteria: ACMG Guidelines, 2015. Collection method: clinical testing. Allele origin: germline.

Labcorp Genetics (formerly Invitae), Labcorp
Classification: Uncertain significance. Last evaluated: 2022-08-21. Review status: criteria provided, single submitter. Criteria: Invitae Variant Classification Sherloc (09022015). Collection method: clinical testing. Allele origin: germline.
Comment: This sequence change replaces alanine, which is neutral and non-polar, with threonine, which is neutral and polar, at codon 4646 of the LRP2 protein (p.Ala4646Thr). This variant is present in population databases (rs202210831, gnomAD 0.006%). This variant has not been reported in the literature in individuals affected with LRP2-related conditions. ClinVar contains an entry for this variant (Variation ID: 1311447). Advanced modeling of protein sequence and biophysical properties (such as structural, functional, and spatial information, amino acid conservation, physicochemical variation, residue mobility, and thermodynamic stability) performed at Invitae indicates that this missense variant is not expected to disrupt LRP2 protein function. In summary, the available evidence is currently insufficient to determine the role of this variant in disease. Therefore, it has been classified as a Variant of Uncertain Significance.

Fulgent Genetics
Classification: Uncertain significance for Donnai-Barrow syndrome. Last evaluated: 2022-04-29. Review status: criteria provided, single submitter. Criteria: ACMG Guidelines, 2015. Collection method: clinical testing. Allele origin: unknown.

Ambry Genetics
Classification: Uncertain significance for Inborn genetic diseases. Last evaluated: 2022-02-10. Review status: criteria provided, single submitter. Criteria: Ambry Variant Classification Scheme 2023. Collection method: clinical testing. Allele origin: germline.

GeneDx
Classification: Uncertain significance. Last evaluated: 2019-12-20. Review status: criteria provided, single submitter. Criteria: GeneDx Variant Classification Process June 2021. Collection method: clinical testing. Allele origin: germline. Affected: yes.
Comment: Not observed at a significant frequency in large population cohorts (Lek et al., 2016); In silico analysis, which includes protein predictors and evolutionary conservation, supports that this variant does not alter protein structure/function; Has not been previously published as pathogenic or benign to our knowledge